The following is an entry in ClinVar:

ClinVar aggregate classification (germline): Uncertain significance. Review status: criteria provided, multiple submitters, no conflicts (2 of 4 stars). 2 submissions from 2 submitters: Uncertain significance (2). Last evaluated 2023-02-15.

Conditions:
Microcephaly-intellectual disability-sensorineural hearing loss-epilepsy-abnormal muscle tone syndrome (NEDHSB). Also called: NEURODEVELOPMENTAL DISORDER WITH HEARING LOSS, SEIZURES, AND BRAIN ABNORMALITIES. Identifiers: Orphanet 457351, MedGen C4225276, MONDO:0014698, OMIM 616577.
Inborn genetic diseases. Identifiers: MedGen C0950123, MeSH D030342.

Allele frequency attached by ClinVar (database versions not stated): TOPMed 0.00001; gnomAD 0.00002.
gnomAD v4.1: 29 of 1,613,768 alleles (0.0018%); highest among the groups gnomAD compares: Non-Finnish European, 0.0022%; no homozygotes.

Submissions (2):

Ambry Genetics
Classification: Uncertain significance for Inborn genetic diseases. Last evaluated: 2023-02-15. Review status: criteria provided, single submitter. Criteria: Ambry Variant Classification Scheme 2023. Collection method: clinical testing. Allele origin: germline.

Labcorp Genetics (formerly Invitae), Labcorp
Classification: Uncertain significance for Microcephaly-intellectual disability-sensorineural hearing loss-epilepsy-abnormal muscle tone syndrome. Last evaluated: 2021-08-24. Review status: criteria provided, single submitter. Criteria: Invitae Variant Classification Sherloc (09022015). Collection method: clinical testing. Allele origin: germline.
Comment: This sequence change replaces valine with glutamic acid at codon 350 of the SPATA5 protein (p.Val350Glu). The valine residue is highly conserved and there is a moderate physicochemical difference between valine and glutamic acid. This variant is not present in population databases (ExAC no frequency). This variant has not been reported in the literature in individuals affected with SPATA5-related conditions. Algorithms developed to predict the effect of missense changes on protein structure and function (SIFT, PolyPhen-2, Align-GVGD) all suggest that this variant is likely to be disruptive. In summary, the available evidence is currently insufficient to determine the role of this variant in disease. Therefore, it has been classified as a Variant of Uncertain Significance.

NM_145207.3(AFG2A):c.1049T>A (p.Val350Glu)

Gene: AFG2A (AFG2 AAA ATPase homolog A; plus strand). Cytogenetic location: 4q28.1.
Variant type: single nucleotide variant.
Coding change: c.1049T>A on transcript NM_145207.3 (MANE Select); coding-DNA position 1049, T replaced by A.
Protein change: p.Val350Glu; replaces valine 350 with glutamic acid.
Molecular consequence: missense variant.
Genome position (GRCh38, 1-based): chr4:122,934,640, T>A. VCF-style: chr4-122934640-T-A. GRCh37 (hg19) VCF-style: chr4-123855795-T-A.
Other names: c.1046T>A, p.Val349Glu (NM_001317799.2, NM_001345856.2); short protein forms V350E, V349E.
Identifiers: ClinVar variation 577371 (VCV000577371.5), dbSNP rs1286156167, ClinGen allele CA358103084.
Genomic context (GRCh38, chr4:122,934,640, plus strand): 5'-CAAGAGTCAATTTTACAGAGATTGATAAAAATTCAAAAGAGCAAGACAACCAATTCAAAG[T>A]AACTTATGACATGATAGGAGGATTAAGTAGCCAGCTGAAAGCAATTAGAGAAATAATTGA-3'
Protein context (NP_660208.2, residues 340-360): NSKEQDNQFK[Val350Glu]TYDMIGGLSS